The following is an entry in ClinVar:

ClinVar aggregate classification (germline): Uncertain significance. Review status: criteria provided, multiple submitters, no conflicts (2 of 4 stars). 2 submissions from 2 submitters: Uncertain significance (2). Last evaluated 2022-09-01.

Conditions:
Inborn genetic diseases. Identifiers: MedGen C0950123, MeSH D030342.

Allele frequency attached by ClinVar (database versions not stated): gnomAD exomes 0.00007 and 0.00018; ESP Exome Variant Server 0.00008; gnomAD 0.00009 and 0.00010; TOPMed 0.00017; ExAC 0.00018.
gnomAD v4.1: 121 of 1,614,008 alleles (0.0075%); highest among the groups gnomAD compares: Admixed American, 0.052%; no homozygotes.

Submissions (2):

Labcorp Genetics (formerly Invitae), Labcorp
Classification: Uncertain significance. Last evaluated: 2022-09-01. Review status: criteria provided, single submitter. Criteria: Invitae Variant Classification Sherloc (09022015). Collection method: clinical testing. Allele origin: germline.
Comment: This sequence change replaces valine, which is neutral and non-polar, with methionine, which is neutral and non-polar, at codon 829 of the LRRK1 protein (p.Val829Met). This variant is present in population databases (rs202077818, gnomAD 0.08%). This variant has not been reported in the literature in individuals affected with LRRK1-related conditions. ClinVar contains an entry for this variant (Variation ID: 1434713). Algorithms developed to predict the effect of missense changes on protein structure and function are either unavailable or do not agree on the potential impact of this missense change (SIFT: "Tolerated"; PolyPhen-2: "Possibly Damaging"; Align-GVGD: "Class C0"). In summary, the available evidence is currently insufficient to determine the role of this variant in disease. Therefore, it has been classified as a Variant of Uncertain Significance.

Ambry Genetics
Classification: Uncertain significance for Inborn genetic diseases. Last evaluated: 2021-06-11. Review status: criteria provided, single submitter. Criteria: Ambry Variant Classification Scheme 2023. Collection method: clinical testing. Allele origin: germline.

NM_024652.6(LRRK1):c.2485G>A (p.Val829Met)

Genes: LRRK1 (leucine rich repeat kinase 1; plus strand), LOC126862255 (CDK7 strongly-dependent group 2 enhancer GRCh37_chr15:101567313-101568512; plus strand). Cytogenetic location: 15q26.3.
Variant type: single nucleotide variant.
Coding change: c.2485G>A on transcript NM_024652.6 (MANE Select); coding-DNA position 2485, G replaced by A.
Protein change: p.Val829Met; replaces valine 829 with methionine.
Molecular consequence: missense variant.
Genome position (GRCh38, 1-based): chr15:101,027,340, G>A. VCF-style: chr15-101027340-G-A. GRCh37 (hg19) VCF-style: chr15-101567545-G-A.
Other names: c.2485G>A (NM_024652.3); short protein forms V829M.
Identifiers: ClinVar variation 1434713 (VCV001434713.4), dbSNP rs202077818, ClinGen allele CA7761252.